The following is an entry in ClinVar:

ClinVar aggregate classification (germline): Uncertain significance. Review status: criteria provided, multiple submitters, no conflicts (2 of 4 stars). 3 submissions from 3 submitters: Uncertain significance (3). Last evaluated 2025-03-31.

Conditions:
Cardio-facio-cutaneous syndrome. Also called: Cardiofaciocutaneous syndrome; CFC syndrome. Identifiers: Orphanet 1340, MedGen C1275081, MONDO:0015280. Disease mechanism: gain of function.
RASopathy. Also called: rasopathies; Noonan spectrum disorder. Identifiers: Orphanet 536391, MedGen C5555857, MONDO:0021060.

Allele frequency attached by ClinVar (database versions not stated): TOPMed below 0.00001; ExAC 0.00001; gnomAD 0.00001; 1000 Genomes Project 30x 0.00016; 1000 Genomes Project 0.00020.
gnomAD v4.1: 8 of 1,596,966 alleles (0.0005%); highest among the groups gnomAD compares: South Asian, 0.0034%; no homozygotes.

Submissions (3):

Labcorp Genetics (formerly Invitae), Labcorp
Classification: Uncertain significance for RASopathy. Last evaluated: 2025-03-31. Review status: criteria provided, single submitter. Criteria: Invitae Variant Classification Sherloc (09022015). Collection method: clinical testing. Allele origin: germline.
Comment: This sequence change falls in intron 7 of the MAP2K2 gene. It does not directly change the encoded amino acid sequence of the MAP2K2 protein. It affects a nucleotide within the consensus splice site. The frequency data for this variant in the population databases is considered unreliable, as metrics indicate poor data quality at this position in the gnomAD database. This variant has not been reported in the literature in individuals affected with MAP2K2-related conditions. ClinVar contains an entry for this variant (Variation ID: 928666). Variants that disrupt the consensus splice site are a relatively common cause of aberrant splicing (PMID: 17576681, 9536098). Algorithms developed to predict the effect of sequence changes on RNA splicing suggest that this variant may disrupt the consensus splice site. In summary, the available evidence is currently insufficient to determine the role of this variant in disease. Therefore, it has been classified as a Variant of Uncertain Significance.

Department of Pathology and Laboratory Medicine, Sinai Health System
Classification: Uncertain significance for cardiofaciocutaneous syndrome. Last evaluated: 2023-03-01. Review status: criteria provided, single submitter. Criteria: ACMG Guidelines, 2015. Collection method: research. Allele origin: germline.

Women's Health and Genetics/Laboratory Corporation of America, LabCorp
Classification: Uncertain significance. Last evaluated: 2019-04-08. Review status: criteria provided, single submitter. Criteria: LabCorp Variant Classification Summary - May 2015. Collection method: clinical testing. Allele origin: germline.
Comment: Variant summary: MAP2K2 c.919+5G>A alters a conserved nucleotide located close to a canonical splice site and therefore could affect mRNA splicing, leading to a significantly altered protein sequence. Several computational tools predict a significant impact on normal splicing: Two predict the variant abolishes a 5' splicing donor site. Three predict the variant weakens a 5' donor site. However, these predictions have yet to be confirmed by functional studies. The variant allele was found at a frequency of 9.4e-06 in 212764 control chromosomes (gnomAD). The available data on variant occurrences in the general population are insufficient to allow any conclusion about variant significance. To our knowledge, no occurrence of c.919+5G>A in individuals affected with Noonan Syndrome and Related Conditions and no experimental evidence demonstrating its impact on protein function have been reported. No clinical diagnostic laboratories have submitted clinical-significance assessments for this variant to ClinVar after 2014. Based on the evidence outlined above, the variant was classified as uncertain significance.

Literature cited by the submitters: PubMed 17576681 (cited by Labcorp Genetics (formerly Invitae), Labcorp); PubMed 9536098 (cited by Labcorp Genetics (formerly Invitae), Labcorp).

NM_030662.4(MAP2K2):c.919+5G>A

Gene: MAP2K2 (mitogen-activated protein kinase kinase 2; minus strand). Cytogenetic location: 19p13.3.
Variant type: single nucleotide variant.
Coding change: c.919+5G>A on transcript NM_030662.4 (MANE Select); 5 bases into the intron after coding-DNA position 919, G replaced by A.
Molecular consequence: intron variant.
Genome position (GRCh38, 1-based): chr19:4,099,196, C>T on the plus strand (G>A on the coding strand, the complement: MAP2K2 is on the minus strand). VCF-style: chr19-4099196-C-T. GRCh37 (hg19) VCF-style: chr19-4099194-C-T.
Identifiers: ClinVar variation 928666 (VCV000928666.4), dbSNP rs540315377, ClinGen allele CA9090794.